The following is an entry in ClinVar:

ClinVar aggregate classification (germline): Conflicting classifications of pathogenicity. Review status: criteria provided, conflicting classifications (1 of 4 stars). 2 submissions from 2 submitters: Likely pathogenic (1); Uncertain significance (1). Last evaluated 2021-10-21.

Conditions:
Holoprosencephaly 3 (HPE3). Identifiers: Orphanet 2162, MedGen C1840529, MONDO:0007733, OMIM 142945.

Submissions (2):

Labcorp Genetics (formerly Invitae), Labcorp
Classification: Uncertain significance for Holoprosencephaly 3. Last evaluated: 2021-10-21. Review status: criteria provided, single submitter. Criteria: Invitae Variant Classification Sherloc (09022015). Collection method: clinical testing. Allele origin: germline.
Comment: Algorithms developed to predict the effect of missense changes on protein structure and function are either unavailable or do not agree on the potential impact of this missense change (SIFT: "Deleterious"; PolyPhen-2: "Probably Damaging"; Align-GVGD: "Class C0"). In summary, the available evidence is currently insufficient to determine the role of this variant in disease. Therefore, it has been classified as a Variant of Uncertain Significance. ClinVar contains an entry for this variant (Variation ID: 372894). This variant has not been reported in the literature in individuals affected with SHH-related conditions. The frequency data for this variant in the population databases is considered unreliable, as metrics indicate insufficient coverage at this position in the ExAC database. This sequence change replaces glycine with aspartic acid at codon 343 of the SHH protein (p.Gly343Asp). The glycine residue is highly conserved and there is a moderate physicochemical difference between glycine and aspartic acid.

GeneDx
Classification: Likely pathogenic. Last evaluated: 2016-02-15. Review status: criteria provided, single submitter. Criteria: GeneDx Variant Classification (06012015). Collection method: clinical testing. Allele origin: germline. Affected: yes.
Comment: The G343D variant in the SHH gene has not been reported previously as a pathogenic variant, nor as a benign variant, to our knowledge. The G343D variant was not observed in approximately 5300 individuals of European and African American ancestry in the NHLBI Exome Sequencing Project, indicating it is not a common benign variant in these populations. The G343D variant is a non-conservative amino acid substitution, which is likely to impact secondary protein structure as these residues differ in polarity, charge, size and/or other properties. This substitution occurs at a position that is conserved across species. In silico analysis predicts this variant is probably damaging to the protein structure/function. Additionally, missense variants in nearby residues (A346V, P347L, P347R, P347Q) have been reported in the Human Gene Mutation Database in association with HPE (Stenson et al., 2014), supporting the functional importance of this region of the protein. The G343D variant is a strong candidate for a pathogenic variant. However, the possibility it may be a rare benign variant cannot be excluded.

NM_000193.4(SHH):c.1028G>A (p.Gly343Asp)

Gene: SHH (sonic hedgehog signaling molecule; minus strand). Cytogenetic location: 7q36.3.
Variant type: single nucleotide variant.
Coding change: c.1028G>A on transcript NM_000193.4 (MANE Select); coding-DNA position 1028, G replaced by A.
Protein change: p.Gly343Asp; replaces glycine 343 with aspartic acid.
Molecular consequence: missense variant. On other transcripts: intron variant (1).
Genome position (GRCh38, 1-based): chr7:155,803,261, C>T on the plus strand (G>A on the coding strand, the complement: SHH is on the minus strand). VCF-style: chr7-155803261-C-T. GRCh37 (hg19) VCF-style: chr7-155595955-C-T.
Other names: c.302-3016G>A (NM_001310462.2); short protein forms G343D.
Identifiers: ClinVar variation 372894 (VCV000372894.6), dbSNP rs1057518056, ClinGen allele CA16042575.